The following is an entry in ClinVar:

ClinVar aggregate classification (germline): Pathogenic. Review status: criteria provided, multiple submitters, no conflicts (2 of 4 stars). 2 submissions from 2 submitters: Pathogenic (2). Last evaluated 2023-08-10.

Conditions:
Hereditary cancer-predisposing syndrome. Also called: Neoplastic Syndromes, Hereditary; Tumor predisposition; Hereditary Cancer Syndrome; Hereditary neoplastic syndrome. Identifiers: Orphanet 140162, MedGen C0027672, MeSH D009386, MONDO:0015356.
Lynch syndrome 5 (LYNCH5). Also called: Colorectal cancer, hereditary nonpolyposis, type 5; Hereditary non-polyposis colorectal cancer, type 5. Identifiers: Orphanet 144, MedGen C1833477, MONDO:0013710, OMIM 614350. Disease mechanism: loss of function.

Submissions (2):

Myriad Genetics, Inc.
Classification: Pathogenic for Lynch syndrome 5. Last evaluated: 2023-08-10. Review status: criteria provided, single submitter. Criteria: Myriad Autosomal Dominant, Autosomal Recessive and X-Linked Classification Criteria (2023). Collection method: clinical testing. Allele origin: unknown.
Comment: This variant is considered pathogenic. This variant creates a frameshift predicted to result in premature protein truncation.

Ambry Genetics
Classification: Pathogenic for Hereditary cancer-predisposing syndrome. Last evaluated: 2018-11-02. Review status: criteria provided, single submitter. Criteria: Ambry Variant Classification Scheme 2023. Collection method: clinical testing. Allele origin: germline.
Comment: The c.402delT pathogenic mutation, located in coding exon 2 of the MSH6 gene, results from a deletion of one nucleotide at nucleotide position 402, causing a translational frameshift with a predicted alternate stop codon (p.F134Lfs*15). This alteration is expected to result in loss of function by premature protein truncation or nonsense-mediated mRNA decay. As such, this alteration is interpreted as a disease-causing mutation.

NM_000179.3(MSH6):c.402del (p.Phe134fs)

Gene: MSH6 (mutS homolog 6; plus strand). Cytogenetic location: 2p16.3.
Variant type: Deletion.
Coding change: c.402del on transcript NM_000179.3 (MANE Select); coding-DNA position 402, one base deleted (T; older notation c.402delT).
Protein change: p.Phe134fs; shifts the reading frame from phenylalanine 134.
Molecular consequence: frameshift variant. On other transcripts: 5 prime UTR variant (2), intron variant (1).
Genome position (GRCh38, 1-based): chr2:47,791,068, T deleted; the last of 6 consecutive T bases (chr2:47,791,063-47,791,068); deleting any one gives the same sequence. VCF-style (leftmost placement, unchanged base first): chr2-47791062-GT-G. GRCh37 (hg19) VCF-style: chr2-48018201-GT-G.
Other names: c.-335del (NM_001281493.2); c.-501del (NM_001281494.2); c.498delT, p.Phe166Leufs (NM_001406795.1, NM_001406802.1); c.402delT, p.Phe134Leufs (NM_001406796.1, NM_001406798.1, NM_001406800.1 and 6 more transcripts); c.105delT, p.Phe35Leufs (NM_001406797.1, NM_001406801.1, NM_001406805.1 and 10 more transcripts); c.324delT, p.Phe108Leufs (NM_001406804.1); c.-527delT (NM_001406807.1); c.-335delT (NM_001406811.1, NM_001406823.1, NM_001406829.1); and 3 more; short protein forms F134fs.
Identifiers: ClinVar variation 1737181 (VCV001737181.3), dbSNP rs1057524912, ClinGen allele CA2580066879.